The following is an entry in ClinVar:

ClinVar aggregate classification (germline): Pathogenic (1 of 4 stars; one submission).

Submission:

Labcorp Genetics (formerly Invitae), Labcorp
Classification: Pathogenic. Last evaluated: 2022-08-25. Review status: criteria provided, single submitter. Criteria: Invitae Variant Classification Sherloc (09022015). Collection method: clinical testing. Allele origin: germline.
Comment: This sequence change creates a premature translational stop signal (p.Lys473*) in the LAMA3 gene. It is expected to result in an absent or disrupted protein product. Loss-of-function variants in LAMA3 are known to be pathogenic (PMID: 10366601, 11810295, 12915477, 16473856, 17362460, 22434185, 23869449, 27827380, 28087116). This variant is not present in population databases (gnomAD no frequency). This variant has not been reported in the literature in individuals affected with LAMA3-related conditions. For these reasons, this variant has been classified as Pathogenic.

Literature cited by the submitters: PubMed 10366601; PubMed 11810295; PubMed 12915477; PubMed 16473856; PubMed 17362460; PubMed 22434185; PubMed 23869449; PubMed 27827380; PubMed 28087116.

NM_198129.4(LAMA3):c.6244A>T (p.Lys2082Ter)

Gene: LAMA3 (laminin subunit alpha 3; plus strand). Cytogenetic location: 18q11.2.
Variant type: single nucleotide variant.
Coding change: c.6244A>T on transcript NM_198129.4 (MANE Select); coding-DNA position 6244, A replaced by T.
Protein change: p.Lys2082Ter; replaces lysine 2082 with a stop codon.
Molecular consequence: nonsense.
Genome position (GRCh38, 1-based): chr18:23,903,051, A>T. VCF-style: chr18-23903051-A-T. GRCh37 (hg19) VCF-style: chr18-21483015-A-T.
Other names: c.1417A>T, p.Lys473Ter (NM_000227.6); c.6076A>T, p.Lys2026Ter (NM_001127717.4); c.1249A>T, p.Lys417Ter (NM_001127718.4); short protein forms K473*, K2026*, K2082*, K417*.
Identifiers: ClinVar variation 1947286 (VCV001947286.5), dbSNP rs2511400484, ClinGen allele CA402048772.